The following is an entry in ClinVar:

ClinVar aggregate classification (germline): Uncertain significance (1 of 4 stars; one submission).

gnomAD v4.1: 37 of 1,537,060 alleles (0.0024%); highest among the groups gnomAD compares: Non-Finnish European, 0.0031%; no homozygotes.

Submission:

Labcorp Genetics (formerly Invitae), Labcorp
Classification: Uncertain significance. Last evaluated: 2022-08-10. Review status: criteria provided, single submitter. Criteria: Invitae Variant Classification Sherloc (09022015). Collection method: clinical testing. Allele origin: germline.
Comment: In summary, the available evidence is currently insufficient to determine the role of this variant in disease. Therefore, it has been classified as a Variant of Uncertain Significance. Algorithms developed to predict the effect of missense changes on protein structure and function output the following: SIFT: "Tolerated"; PolyPhen-2: "Benign"; Align-GVGD: "Class C0". The tyrosine amino acid residue is found in multiple mammalian species, which suggests that this missense change does not adversely affect protein function. This variant has not been reported in the literature in individuals affected with RNF213-related conditions. This variant is present in population databases (no rsID available, gnomAD 0.004%). This sequence change replaces histidine, which is basic and polar, with tyrosine, which is neutral and polar, at codon 1290 of the RNF213 protein (p.His1290Tyr).

NM_001256071.3(RNF213):c.3868C>T (p.His1290Tyr)

Gene: RNF213 (ring finger protein 213; plus strand). Cytogenetic location: 17q25.3.
Variant type: single nucleotide variant.
Coding change: c.3868C>T on transcript NM_001256071.3 (MANE Select); coding-DNA position 3868, C replaced by T.
Protein change: p.His1290Tyr; replaces histidine 1290 with tyrosine.
Molecular consequence: missense variant.
Genome position (GRCh38, 1-based): chr17:80,332,356, C>T. VCF-style: chr17-80332356-C-T. GRCh37 (hg19) VCF-style: chr17-78306156-C-T.
Other names: c.4015C>T, p.His1339Tyr (NM_001410195.1, NM_020914.5); short protein forms H1290Y, H1339Y.
Identifiers: ClinVar variation 2182245 (VCV002182245.3), dbSNP rs1003266594, ClinGen allele CA294909792.
Genomic context (GRCh38, chr17:80,332,356, plus strand): 5'-GAGCTTGAAGAGGTGTATGACTATTTGTATCAGCCTTCTTACAGAAAGTTCATTAAGTTG[C>T]ACCAGGATCTAAAGTCAGGAGAGGTCACCCTTGCAGAGATTGATGTCATCTTCAAGGACT-3'
Protein context (NP_001243000.2, residues 1280-1300): QPSYRKFIKL[His1290Tyr]QDLKSGEVTL